The following is an entry in ClinVar:

NM_007294.4(BRCA1):c.4585A>G (p.Ile1529Val)

Gene: BRCA1 (BRCA1 DNA repair associated; minus strand). Cytogenetic location: 17q21.31.
Variant type: single nucleotide variant.
Coding change: c.4585A>G on transcript NM_007294.4 (MANE Select); coding-DNA position 4585, A replaced by G.
Protein change: p.Ile1529Val; replaces isoleucine 1529 with valine.
Molecular consequence: missense variant. On other transcripts: non-coding transcript variant (1).
Genome position (GRCh38, 1-based): chr17:43,074,421, T>C on the plus strand (A>G on the coding strand, the complement: BRCA1 is on the minus strand). VCF-style: chr17-43074421-T-C. GRCh37 (hg19) VCF-style: chr17-41226438-T-C.
Other names: 4704A>G; c.1141A>G, p.Ile381Val (NM_001408451.1); c.1135A>G, p.Ile379Val (NM_001408452.1, NM_001408453.1, NM_001408454.1 and 3 more transcripts); c.1132A>G, p.Ile378Val (NM_001408458.1, NM_001408459.1, NM_001408460.1 and 7 more transcripts); c.4582A>G, p.Ile1528Val (NM_001407612.1, NM_001407613.1, NM_001407614.1 and 17 more transcripts); c.4579A>G, p.Ile1527Val (NM_001407631.1, NM_001407632.1, NM_001407633.1 and 14 more transcripts); c.4507A>G, p.Ile1503Val (NM_001407653.1, NM_001407654.1, NM_001407655.1); c.4504A>G, p.Ile1502Val (NM_001407656.1, NM_001407657.1, NM_001407658.1); and 69 more; short protein forms I1529V, I425V, I1482V, I1550V, I1232V, I1233V, I1400V, I1401V.
Identifiers: ClinVar variation 55233 (VCV000055233.26), dbSNP rs80357095, ClinGen allele CA002916.

ClinVar aggregate classification (germline): Conflicting classifications of pathogenicity. Review status: criteria provided, conflicting classifications (1 of 4 stars). 9 submissions from 9 submitters: Uncertain significance (1); Benign (2); Likely benign (4). 2 of the submissions do not count toward it. Last evaluated 2026-05-28.

Conditions:
Breast-ovarian cancer, familial, susceptibility to, 1 (BROVCA1). Also called: BRCA1 Hereditary Breast and Ovarian Cancer; OVARIAN CANCER, SUSCEPTIBILITY TO. Identifiers: Orphanet 145, MedGen C2676676, MONDO:0011450, OMIM 604370. Disease mechanism: loss of function.
BRCA1-related cancer predisposition. Identifiers: MedGen CN377757, MONDO:0700268.
Hereditary cancer-predisposing syndrome. Also called: Hereditary Cancer Syndrome; Hereditary neoplastic syndrome; Neoplastic Syndromes, Hereditary; Tumor predisposition. Identifiers: Orphanet 140162, MedGen C0027672, MeSH D009386, MONDO:0015356.
Hereditary breast ovarian cancer syndrome. Also called: BRCA1- and BRCA2-Associated Hereditary Breast and Ovarian Cancer; Hereditary breast and ovarian cancer syndrome; Hereditary breast and ovarian cancer syndrome (HBOC); Breast and ovarian cancer; Hereditary breast and/or ovarian cancer syndrome; Hereditary breast and ovarian cancer. Identifiers: Orphanet 145, MedGen C0677776, MeSH D061325, MONDO:0003582. Disease mechanism: loss of function.

Allele frequency attached by ClinVar (database versions not stated): gnomAD exomes below 0.00001 and 0.00001; gnomAD 0.00001; TOPMed 0.00003; ExAC 0.00001.
gnomAD v4.1: 5 of 1,613,666 alleles (0.00031%); highest among the groups gnomAD compares: African/African-American, 0.0067%; no homozygotes.

Submissions (9):

Women's Health and Genetics/Laboratory Corporation of America, LabCorp
Classification: Likely benign. Last evaluated: 2026-05-28. Review status: criteria provided, single submitter. Criteria: LabCorp Variant Classification Summary - May 2015. Collection method: clinical testing. Allele origin: germline.
Comment: Variant summary: BRCA1 c.4585A>G (p.Ile1529Val) results in a conservative amino acid change in the encoded protein sequence. Algorithms developed to predict the effect of missense changes on protein structure and function all suggest that this variant is likely to be tolerated. The variant allele was found at a frequency of 8e-06 in 251384 control chromosomes (gnomAD). The available data on variant occurrences in the general population are insufficient to allow any conclusion about variant significance. c.4585A>G has been reported in the literature as a VUS in individuals undergoing testing for Hereditary Breast And Ovarian Cancer Syndrome (example, Judkins_2005). These report(s) do not provide unequivocal conclusions about association of the variant with disease. Several publications report experimental evidence evaluating an impact on protein function (example, Carvalho_2014, Woods_2016, Nepomuceno_2022). These results showed no damaging effect of this variant in transcriptional assays. The following publications have been ascertained in the context of this evaluation (PMID: 15235020, 24845084, 16267036, 36171434, 15385441, 23704879, 28781887). ClinVar contains an entry for this variant (Variation ID: 55233). Based on the evidence outlined above, the variant was classified as likely benign.

Labcorp Genetics (formerly Invitae), Labcorp
Classification: Likely benign for Hereditary breast ovarian cancer syndrome. Last evaluated: 2026-01-25. Review status: criteria provided, single submitter. Criteria: Invitae Variant Classification Sherloc (09022015). Collection method: clinical testing. Allele origin: germline.

All of Us Research Program, National Institutes of Health
Classification: Benign for BRCA1-related cancer predisposition. Last evaluated: 2024-08-06. Review status: criteria provided, single submitter. Criteria: ACMG Guidelines, 2015. Collection method: clinical testing. Allele origin: germline. Inheritance: Autosomal dominant inheritance. Observed: 5 variant alleles, 5 heterozygotes.
Comment: This study involves interpretation of variants in research participants for the purpose of population health screening. Participant phenotype was not available at the time of variant classification. Additional details can be found in publication PMID: 35346344, PMCID: PMC8962531

Quest Diagnostics Nichols Institute San Juan Capistrano
Classification: Uncertain significance. Last evaluated: 2020-07-29. Review status: criteria provided, single submitter. Criteria: Quest Diagnostics criteria. Collection method: clinical testing. Allele origin: unknown.

GeneDx
Classification: Likely benign. Last evaluated: 2019-04-04. Review status: criteria provided, single submitter. Criteria: GeneDx Variant Classification Process June 2021. Collection method: clinical testing. Allele origin: germline. Affected: yes.
Comment: This variant is associated with the following publications: (PMID: 15235020, 24845084, 15385441)

Ambry Genetics
Classification: Likely benign for Hereditary cancer-predisposing syndrome. Last evaluated: 2019-02-28. Review status: criteria provided, single submitter. Criteria: Ambry Variant Classification Scheme 2023. Collection method: clinical testing. Allele origin: germline.

Color Diagnostics, LLC DBA Color Health
Classification: Benign for Hereditary cancer-predisposing syndrome. Last evaluated: 2015-10-15. Review status: criteria provided, single submitter. Criteria: ACMG Guidelines, 2015. Collection method: clinical testing. Allele origin: germline.

Sharing Clinical Reports Project (SCRP)
Classification: Likely benign for Breast-ovarian cancer, familial 1. Last evaluated: 2012-08-03. Review status: no assertion criteria provided. Collection method: clinical testing. Allele origin: germline. Not counted in ClinVar's aggregate classification.

Breast Cancer Information Core (BIC) (BRCA1)
Classification: Uncertain significance for Breast-ovarian cancer, familial 1. Last evaluated: 2002-05-29. Review status: no assertion criteria provided. Collection method: clinical testing. Allele origin: germline. Affected: yes. Observed: 2 variant alleles. Not counted in ClinVar's aggregate classification.

Literature cited by the submitters: PubMed 16267036 (cited by Women's Health and Genetics/Laboratory Corporation of America, LabCorp and Quest Diagnostics Nichols Institute San Juan Capistrano); PubMed 15385441 (cited by Women's Health and Genetics/Laboratory Corporation of America, LabCorp and Quest Diagnostics Nichols Institute San Juan Capistrano); PubMed 15235020 (cited by 3 submitters); PubMed 23704879 (cited by Women's Health and Genetics/Laboratory Corporation of America, LabCorp and Quest Diagnostics Nichols Institute San Juan Capistrano); PubMed 24845084 (cited by 3 submitters); PubMed 28781887 (cited by Women's Health and Genetics/Laboratory Corporation of America, LabCorp); PubMed 36171434 (cited by Women's Health and Genetics/Laboratory Corporation of America, LabCorp).